The following is an entry in ClinVar:

NM_004260.4(RECQL4):c.3207T>C (p.Arg1069=)

Gene: RECQL4 (RecQ like helicase 4; minus strand). Cytogenetic location: 8q24.3.
Variant type: single nucleotide variant.
Coding change: c.3207T>C on transcript NM_004260.4 (MANE Select); coding-DNA position 3207, T replaced by C.
Protein change: p.Arg1069=; no amino-acid change (arginine 1069 retained).
Molecular consequence: synonymous variant.
Genome position (GRCh38, 1-based): chr8:144,512,173, A>G on the plus strand (T>C on the coding strand, the complement: RECQL4 is on the minus strand). VCF-style: chr8-144512173-A-G. GRCh37 (hg19) VCF-style: chr8-145737556-A-G.
Identifiers: ClinVar variation 414228 (VCV000414228.12), dbSNP rs1060504218, ClinGen allele CA16612366.

ClinVar aggregate classification (germline): Likely benign. Review status: criteria provided, single submitter (1 of 4 stars). 2 submissions from 2 submitters: Likely benign (1). 1 of the submissions does not count toward it. Last evaluated 2025-09-03.

Conditions:
RECQL4-related disorder. Also called: RECQL4-related condition; RECQL4-related disorders.
Baller-Gerold syndrome (BGS). Also called: CRANIOSYNOSTOSIS WITH RADIAL DEFECTS. Identifiers: Orphanet 1225, MedGen C0265308, MONDO:0009039, OMIM 218600.

Allele frequency attached by ClinVar (database versions not stated): gnomAD 0.00001.

Submissions (2):

Labcorp Genetics (formerly Invitae), Labcorp
Classification: Likely benign for Baller-Gerold syndrome. Last evaluated: 2025-09-03. Review status: criteria provided, single submitter. Criteria: Invitae Variant Classification Sherloc (09022015). Collection method: clinical testing. Allele origin: germline.

PreventionGenetics, part of Exact Sciences
Classification: Likely benign for RECQL4-related condition. Last evaluated: 2021-12-14. Review status: no assertion criteria provided. Collection method: clinical testing. Allele origin: germline. Not counted in ClinVar's aggregate classification.
Comment: This variant is classified as likely benign based on ACMG/AMP sequence variant interpretation guidelines (Richards et al. 2015 PMID: 25741868, with internal and published modifications).